The following is an entry in ClinVar:

NM_000478.6(ALPL):c.1474del (p.Ala492fs)

Gene: ALPL (alkaline phosphatase, biomineralization associated; plus strand). Cytogenetic location: 1p36.12.
Variant type: Deletion.
Coding change: c.1474del on transcript NM_000478.6 (MANE Select); coding-DNA position 1474, one base deleted (G; older notation c.1474delG).
Protein change: p.Ala492fs; shifts the reading frame from alanine 492.
Molecular consequence: frameshift variant.
Genome position (GRCh38, 1-based): chr1:21,577,547, G deleted; the last of 4 consecutive G bases (chr1:21,577,544-21,577,547); deleting any one gives the same sequence. VCF-style (leftmost placement, unchanged base first): chr1-21577543-CG-C. GRCh37 (hg19) VCF-style: chr1-21904036-CG-C.
Other names: c.1474del (NM_000478.4, NM_000478.5); c.1309del, p.Ala437fs (NM_001127501.4); c.1243del, p.Ala415fs (NM_001177520.3); c.1474del, p.Ala492fs (NM_001369803.2, NM_001369804.2, NM_001369805.2); c.1474delG (NM_000478.6); short protein forms A492fs, A415fs, A437fs.
Identifiers: ClinVar variation 632630 (VCV000632630.35), dbSNP rs1558558976, ClinGen allele CA521899848.
Genomic context (GRCh38, chr1:21,577,543, plus strand): 5'-GCTGCACGGCGTCCACGAGCAGAACTACGTCCCCCACGTGATGGCGTATGCAGCCTGCAT[CG>C]GGGCCAACCTCGGCCACTGTGCTCCTGCCAGCTCGGCAGGCAGCCTTGCTGCAGGCCCCC-3'

ClinVar aggregate classification (germline): Pathogenic/Likely pathogenic. Review status: criteria provided, multiple submitters, no conflicts (2 of 4 stars). 10 submissions from 10 submitters: Pathogenic (8); Likely pathogenic (2). Last evaluated 2026-02-01.

Conditions:
ALPL-related disorder. Also called: ALPL-related condition; ALPL-related disorders.
Adult hypophosphatasia. Identifiers: Orphanet 247676, Orphanet 436, MedGen C0268413, MONDO:1010154, OMIM 146300, MONDO:0007798.
Hypophosphatasia. Also called: Phosphoethanol-aminuria. Identifiers: Orphanet 436, MedGen C0020630, MeSH D007014, MONDO:0018570.

Submissions (10):

CeGaT Center for Human Genetics Tuebingen
Classification: Likely pathogenic. Last evaluated: 2026-02-01. Review status: criteria provided, single submitter. Criteria: CeGaT Center For Human Genetics Tuebingen Variant Classification Criteria Version 2. Collection method: clinical testing. Allele origin: germline. Affected: yes. Observed: 5 variant alleles.
Comment: ALPL: PM2, PS4:Moderate, PVS1:Moderate, PP4

Labcorp Genetics (formerly Invitae), Labcorp
Classification: Pathogenic. Last evaluated: 2025-12-17. Review status: criteria provided, single submitter. Criteria: Invitae Variant Classification Sherloc (09022015). Collection method: clinical testing. Allele origin: germline.
Comment: This sequence change creates a premature translational stop signal (p.Ala492Profs*29) in the ALPL gene. While this is not anticipated to result in nonsense mediated decay, it is expected to disrupt the last 33 amino acid(s) of the ALPL protein. The frequency data for this variant in the population databases is considered unreliable, as metrics indicate poor data quality at this position in the gnomAD database. This premature translational stop signal has been observed in individuals with hypophosphatasia (PMID: 15694177, 30864637; internal data). This variant is also known as c.1471delG. ClinVar contains an entry for this variant (Variation ID: 632630). This variant disrupts a region of the ALPL protein in which other variant(s) (p.Ala514Thr, p.Asn493Lys) have been observed in individuals with ALPL-related conditions (PMID: 28127875, 28763161). This suggests that this is a clinically significant region of the protein, and that variants that disrupt it are likely to be disease-causing. For these reasons, this variant has been classified as Pathogenic.

Genomenon, Inc
Classification: Pathogenic for Hypophosphatasia. Last evaluated: 2025-08-29. Review status: criteria provided, single submitter. Criteria: Genomenon Sequence Variant Interpretation Standards. Collection method: curation. Allele origin: germline. Affected: yes.
Comment: ALPL p.Ala492ProfsTer29 (c.1474del) is a frameshift variant that results in the production of a truncated protein. This variant has been observed in at least one proband affected with hypophosphatasia (PMID:30864637;15694177). It is absent or not present at a significant frequency in gnomAD. In conclusion, we classify ALPL p.Ala492ProfsTer29 (c.1474del) as a pathogenic variant.

Center for Genomic Medicine, Rigshospitalet, Copenhagen University Hospital
Classification: Pathogenic. Last evaluated: 2025-03-04. Review status: criteria provided, single submitter. Criteria: ACMG Guidelines, 2015. Collection method: clinical testing. Allele origin: germline.

Natera, Inc.
Classification: Likely pathogenic for Hypophosphatasia. Last evaluated: 2025-01-21. Review status: criteria provided, single submitter. Criteria: Natera Variant Classification Schema (03/2026). Collection method: clinical testing. Allele origin: germline.
Comment: The c.1474del variant in ALPL is a frameshift variant predicted to shift the reading frame beginning at codon 492 and leads to a stop codon 29 codons downstream. This variant may result in a truncated or dysfunctional protein product. This variant is rare in the general population with a frequency below the threshold expected for the associated phenotype(s). This variant has been observed in one or more individuals affected with the associated recessive disease, as either homozygous or compound heterozygous with a second variant (PMID: 15694177). Given the available evidence, this variant is classified as Likely Pathogenic.

Department of Clinical Genetics, Copenhagen University Hospital, Rigshospitalet
Classification: Pathogenic for Adult hypophosphatasia. Last evaluated: 2024-04-04. Review status: criteria provided, single submitter. Criteria: ACMG Guidelines, 2015. Collection method: clinical testing. Allele origin: germline.
Comment: PVS1_Str, PS3_Str, PP3_Sup, PP4_Sup

GeneDx
Classification: Pathogenic. Last evaluated: 2024-03-15. Review status: criteria provided, single submitter. Criteria: GeneDx Variant Classification Process June 2021. Collection method: clinical testing. Allele origin: germline. Affected: yes.
Comment: Frameshift variant predicted to result in protein truncation, as the last 33 amino acids are replaced with 28 different amino acids, and other loss-of-function variants have been reported downstream in the Human Gene Mutation Database (HGMD); Not observed at significant frequency in large population cohorts (gnomAD); This variant is associated with the following publications: (PMID: 34662886, 18925618, 15694177, 32973344, 32160374, 30864637)

Baylor Genetics
Classification: Pathogenic for Adult hypophosphatasia. Last evaluated: 2024-02-01. Review status: criteria provided, single submitter. Criteria: ACMG Guidelines, 2015. Collection method: clinical testing. Allele origin: unknown.

PreventionGenetics, part of Exact Sciences
Classification: Pathogenic for ALPL-related condition. Last evaluated: 2023-04-14. Review status: criteria provided, single submitter. Criteria: ACMG Guidelines, 2015. Collection method: clinical testing. Allele origin: germline.
Comment: The ALPL c.1474delG variant is predicted to result in a frameshift and premature protein termination (p.Ala492Profs*29). This variant, along with second ALPL variant, has been reported in at least one patient with perinatal lethal hypophosphatasia (HPP) (Brun-Heath et al. 2005. PubMed ID: 15694177, reported as c.1471del; Del Angel et al. 2020. PubMed ID: 32160374, table S2). This variant in the heterozygous condition was reported in one patient with adult HPP (Galeano-Valle et al. 2019. PubMed ID: 30864637). This variant is reported in 0.00090% of alleles in individuals of European (Non-Finnish) descent in gnomAD. Frameshift variants in ALPL are expected to be pathogenic. This variant is interpreted as pathogenic.

Women's Health and Genetics/Laboratory Corporation of America, LabCorp
Classification: Pathogenic for Hypophosphatasia. Last evaluated: 2021-12-06. Review status: criteria provided, single submitter. Criteria: LabCorp Variant Classification Summary - May 2015. Collection method: clinical testing. Allele origin: germline.
Comment: Variant summary: ALPL c.1474delG (p.Ala492ProfsX29) results in a premature termination codon, located in exon 12 (i.e. in the last exon) that is not expected to cause nonsense mediated decay (NMD), but is predicted to cause a truncation of the encoded protein. A truncating variant downstream of this position (c.1559delT (p.Leu520ArgfsX86)) has been classified as pathogenic by our laboratory. The variant allele was found at a frequency of 4.1e-06 in 241616 control chromosomes (gnomAD). c.1474delG has been reported in the literature in compound heterozygous individuals affected with perinatal lethal hypophosphatasia and odontohypophosphatasia (Brun-Heath_2005, DelAngel_2020), but was also found in heterozygous state in an individual affected with the adult form of the disease (Galeano-Valle_2019). These data indicate that the variant likely associated with disease. At least one publication reports experimental evidence evaluating an impact on protein function, and demonstrated that the variant resulted in absent in vitro activity (DelAngel_2020). One other clinical diagnostic laboratory has submitted clinical-significance assessments for this variant to ClinVar after 2014, and classified the variant as likely pathogenic. Based on the evidence outlined above, the variant was classified as pathogenic.

Literature cited by the submitters: PubMed 15694177 (cited by 4 submitters); PubMed 30864637 (cited by 4 submitters); PubMed 28127875 (cited by Labcorp Genetics (formerly Invitae), Labcorp); PubMed 28763161 (cited by Labcorp Genetics (formerly Invitae), Labcorp); PubMed 32160374 (cited by Center for Genomic Medicine, Rigshospitalet, Copenhagen University Hospital and Women's Health and Genetics/Laboratory Corporation of America, LabCorp); PubMed 18925618 (cited by Women's Health and Genetics/Laboratory Corporation of America, LabCorp); PubMed 32973344 (cited by Women's Health and Genetics/Laboratory Corporation of America, LabCorp).